The following is an entry in ClinVar:

ClinVar aggregate classification (germline): Uncertain significance. Review status: criteria provided, multiple submitters, no conflicts (2 of 4 stars). 2 submissions from 2 submitters: Uncertain significance (2). Last evaluated 2024-05-25.

Conditions:
Charcot-Marie-Tooth disease dominant intermediate C (CMTDIC). Also called: CHARCOT-MARIE-TOOTH NEUROPATHY, DOMINANT INTERMEDIATE C. Identifiers: Orphanet 100045, MedGen C1842237, MONDO:0012012, OMIM 608323.
Neurologic, endocrine, and pancreatic disease, multisystem, infantile-onset 2 (IMNEPD2). Also called: YARS1 Deficiency. Identifiers: MedGen C5543623, MONDO:0030375, OMIM 619418.

Allele frequency attached by ClinVar (database versions not stated): gnomAD exomes below 0.00001; ExAC 0.00002.
gnomAD v4.1: 7 of 1,614,070 alleles (0.00043%); highest among the groups gnomAD compares: Admixed American, 0.0017%; no homozygotes.

Submissions (2):

Labcorp Genetics (formerly Invitae), Labcorp
Classification: Uncertain significance for Charcot-Marie-Tooth disease dominant intermediate C. Last evaluated: 2024-05-25. Review status: criteria provided, single submitter. Criteria: Invitae Variant Classification Sherloc (09022015). Collection method: clinical testing. Allele origin: germline.
Comment: This sequence change replaces methionine, which is neutral and non-polar, with valine, which is neutral and non-polar, at codon 214 of the YARS protein (p.Met214Val). This variant is present in population databases (rs753368420, gnomAD 0.002%). This variant has not been reported in the literature in individuals affected with YARS-related conditions. Advanced modeling of protein sequence and biophysical properties (such as structural, functional, and spatial information, amino acid conservation, physicochemical variation, residue mobility, and thermodynamic stability) performed at Invitae indicates that this missense variant is expected to disrupt YARS protein function with a positive predictive value of 80%. In summary, the available evidence is currently insufficient to determine the role of this variant in disease. Therefore, it has been classified as a Variant of Uncertain Significance.

MVZ Medizinische Genetik Mainz
Classification: Uncertain significance for Neurologic, endocrine, and pancreatic disease, multisystem, infantile-onset 2. Last evaluated: 2024-01-11. Review status: criteria provided, single submitter. Criteria: UK Practice Guidelines For Variant Classification V4 01 2020. Collection method: clinical testing. Allele origin: germline. Inheritance: Autosomal recessive inheritance. Affected: yes. Observed: 1 variant allele.

NM_003680.4(YARS1):c.640A>G (p.Met214Val)

Gene: YARS1 (tyrosyl-tRNA synthetase 1; minus strand). Cytogenetic location: 1p35.1.
Variant type: single nucleotide variant.
Coding change: c.640A>G on transcript NM_003680.4 (MANE Select); coding-DNA position 640, A replaced by G.
Protein change: p.Met214Val; replaces methionine 214 with valine.
Molecular consequence: missense variant.
Genome position (GRCh38, 1-based): chr1:32,791,206, T>C on the plus strand (A>G on the coding strand, the complement: YARS1 is on the minus strand). VCF-style: chr1-32791206-T-C. GRCh37 (hg19) VCF-style: chr1-33256807-T-C.
Other names: short protein forms M214V.
Identifiers: ClinVar variation 2692307 (VCV002692307.4), dbSNP rs753368420, ClinGen allele CA745146.